The following is an entry in ClinVar:

NM_000701.8(ATP1A1):c.1398C>T (p.Ser466=)

Genes: ATP1A1 (ATPase Na+/K+ transporting subunit alpha 1; plus strand), ATP1A1-AS1 (ATP1A1 antisense RNA 1; minus strand). Cytogenetic location: 1p13.1.
Variant type: single nucleotide variant.
Coding change: c.1398C>T on transcript NM_000701.8 (MANE Select); coding-DNA position 1398, C replaced by T.
Protein change: p.Ser466=; no amino-acid change (serine 466 retained).
Molecular consequence: synonymous variant. On other transcripts: non-coding transcript variant (1).
Genome position (GRCh38, 1-based): chr1:116,392,919, C>T. VCF-style: chr1-116392919-C-T. GRCh37 (hg19) VCF-style: chr1-116935541-C-T.
Other names: c.1398C>T, p.Ser466= (NM_001160233.2); c.1305C>T, p.Ser435= (NM_001160234.2).
Identifiers: ClinVar variation 2639016 (VCV002639016.26), dbSNP rs758315956, ClinGen allele CA1025298.

ClinVar aggregate classification (germline): Likely benign. Review status: criteria provided, multiple submitters, no conflicts (2 of 4 stars). 2 submissions from 2 submitters: Likely benign (2). Last evaluated 2024-09-27.

Allele frequency attached by ClinVar (database versions not stated): ExAC 0.00001.
gnomAD v4.1: 5 of 1,614,052 alleles (0.00031%); highest among the groups gnomAD compares: African/African-American, 0.0013%; no homozygotes.

Submissions (2):

Labcorp Genetics (formerly Invitae), Labcorp
Classification: Likely benign. Last evaluated: 2024-09-27. Review status: criteria provided, single submitter. Criteria: Invitae Variant Classification Sherloc (09022015). Collection method: clinical testing. Allele origin: germline.

CeGaT Center for Human Genetics Tuebingen
Classification: Likely benign. Last evaluated: 2022-04-01. Review status: criteria provided, single submitter. Criteria: CeGaT Center For Human Genetics Tuebingen Variant Classification Criteria Version 2. Collection method: clinical testing. Allele origin: germline. Affected: yes. Observed: 1 variant allele.
Comment: ATP1A1: BP4, BP7